The following is an entry in ClinVar:

NM_001034853.2(RPGR):c.3317A>G (p.Lys1106Arg)

Gene: RPGR (retinitis pigmentosa GTPase regulator; minus strand). Cytogenetic location: Xp11.4.
Variant type: single nucleotide variant.
Coding change: c.3317A>G on transcript NM_001034853.2 (MANE Select); coding-DNA position 3317, A replaced by G.
Protein change: p.Lys1106Arg; replaces lysine 1106 with arginine.
Molecular consequence: missense variant. On other transcripts: intron variant (8).
Genome position (GRCh38, 1-based): chrX:38,285,682, T>C on the plus strand (A>G on the coding strand, the complement: RPGR is on the minus strand). VCF-style: chrX-38285682-T-C. GRCh37 (hg19) VCF-style: chrX-38144935-T-C.
Other names: NM_001034853.2(RPGR):c.3317A>G; p.Lys1106Arg; c.1569+5277A>G (NM_001367249.1, NM_001367250.1); c.1902+1412A>G (NM_001367245.1); c.1386+5277A>G (NM_001367251.1); c.1719+1412A>G (NM_001367246.1); c.1572+5277A>G (NM_001367247.1); c.1905+1412A>G (NM_000328.3); and 1 more; short protein forms K1106R.
Identifiers: ClinVar variation 2174812 (VCV002174812.6), dbSNP rs574644551, ClinGen allele CA10385160.

ClinVar aggregate classification (germline): Benign. Review status: reviewed by expert panel (3 of 4 stars). 3 submissions from 3 submitters: Benign (1). 2 of the submissions do not count toward it. Last evaluated 2025-09-07.

Conditions:
Primary ciliary dyskinesia. Also called: Ciliary dyskinesia. Identifiers: Orphanet 244, MedGen C0008780, MONDO:0016575, HP:0012265.
RPGR-related retinopathy. Also called: RPGR retinopathy. Identifiers: MedGen CN305589, MONDO:0100437.

Allele frequency attached by ClinVar (database versions not stated): ExAC 0.00014; 1000 Genomes Project 30x 0.00021; 1000 Genomes Project 0.00026.
gnomAD v4.1: 61 of 1,209,364 alleles (0.005%); highest among the groups gnomAD compares: South Asian, 0.097%; no homozygotes.

Submissions (3):

ClinGen X-linked Inherited Retinal Disease Variant Curation Expert Panel, ClinGen
Classification: Benign for RPGR-related retinopathy. Last evaluated: 2025-09-07. Review status: reviewed by expert panel. Criteria: ClinGen X LinkedIRD ACMG Specifications RPGR V1.0.0. Collection method: curation. Allele origin: germline. Inheritance: X-linked inheritance.
Comment: NM_001034853.2(RPGR):c.3317A>G (p.Lys1106Arg) is a missense variant causing substitution of lysine by arginine at amino acid 1106. This variant is present in gnomAD v4.1.0 at a frequency of 0.00007054 among hemizygous individuals, with 28 variant alleles / 396,946 total hemizygous alleles, which is higher than the ClinGen X-linked IRD VCEP BA1 threshold of >0.00005 (BA1). The computational predictor REVEL gives a score of 0.026, which is below the ClinGen X-linked IRD VCEP threshold of <0.183 and predicts a non-damaging effect on RPGR function. Additionally, the splicing impact predictor SpliceAI gives a delta score of 0.01, which is below the ClinGen X-linked IRD VCEP recommended threshold of <0.1 and does not strongly predict an impact on splicing (BP4_Moderate). In summary, this variant is classified as benign for RPGR-related retinopathy based on the ClinGen X-linked Inherited Retinal Disease Expert Panel Specifications to the ACMG/AMP Variant Interpretation Guidelines for RPGR Version 1.0.0; BA1 and BP4_Moderate.

Labcorp Genetics (formerly Invitae), Labcorp
Classification: Likely benign for Primary ciliary dyskinesia. Last evaluated: 2025-11-03. Review status: criteria provided, single submitter. Criteria: Invitae Variant Classification Sherloc (09022015). Collection method: clinical testing. Allele origin: germline. Not counted in ClinVar's aggregate classification.

Blueprint Genetics
Classification: Likely benign. Last evaluated: 2022-04-25. Review status: criteria provided, single submitter. Criteria: ACMG Guidelines, 2015. Collection method: clinical testing. Allele origin: germline. Not counted in ClinVar's aggregate classification.